The following is an entry in ClinVar:

ClinVar aggregate classification (germline): Benign (1 of 4 stars; one submission).

Conditions:
X-linked lymphoproliferative disease due to XIAP deficiency. Also called: XIAP DEFICIENCY; XIAP-Related Lymphoproliferative Disease, X-Linked. Identifiers: Orphanet 2442, Orphanet 538934, MedGen C1845076, MONDO:0010385, OMIM 300635.

Allele frequency attached by ClinVar (database versions not stated): gnomAD 0.00014 and 0.00015; gnomAD exomes 0.00019 and 0.00033; 1000 Genomes Project 30x 0.00021; TOPMed 0.00023; 1000 Genomes Project 0.00026; ExAC 0.00058.
gnomAD v4.1: 54 of 309,265 alleles (0.017%); highest among the groups gnomAD compares: East Asian, 0.25%; no homozygotes.

Submission:

Illumina Laboratory Services, Illumina
Classification: Benign for X-linked lymphoproliferative disease due to XIAP deficiency. Last evaluated: 2018-01-13. Review status: criteria provided, single submitter. Criteria: ICSL Variant Classification Criteria 13 December 2019. Collection method: clinical testing. Allele origin: germline.
Comment: This variant was observed in the ICSL laboratory as part of a predisposition screen in an ostensibly healthy population. It had not been previously curated by ICSL or reported in the Human Gene Mutation Database (HGMD: prior to June 1st, 2018), and was therefore a candidate for classification through an automated scoring system. Utilizing variant allele frequency, disease prevalence and penetrance estimates, and inheritance mode, an automated score was calculated to assess if this variant is too frequent to cause the disease. Based on the score and internal cut-off values, a variant classified as benign is not then subjected to further curation. The score for this variant resulted in a classification of benign for this disease.

NM_001167.4(XIAP):c.*5140C>T

Gene: XIAP (X-linked inhibitor of apoptosis; plus strand). Cytogenetic location: Xq25.
Variant type: single nucleotide variant.
Coding change: c.*5140C>T on transcript NM_001167.4 (MANE Select); 5140 bases downstream of the stop codon, C replaced by T.
Molecular consequence: 3 prime UTR variant. On other transcripts: non-coding transcript variant (2).
Genome position (GRCh38, 1-based): chrX:123,912,321, C>T. VCF-style: chrX-123912321-C-T. GRCh37 (hg19) VCF-style: chrX-123046171-C-T.
Other names: c.*5140C>T (NM_001204401.2, NM_001378590.1, NM_001378591.1 and 1 more transcripts).
Identifiers: ClinVar variation 912793 (VCV000912793.4), dbSNP rs762047770, ClinGen allele CA10508399.
Genomic context (GRCh38, chrX:123,912,321, plus strand): 5'-ATACAAAGAAAAAGCCAAAATTGTCATACTGTTGTTAAGCAACAGTATAACAACTATTTA[C>T]ATAGCATTAAGGTTGGTGCAAAAATGCAAAAAAAAAAAAAGCAATTATTTTTAAACCAAC-3'